The following is an entry in ClinVar:

NM_001378454.1(ALMS1):c.7763G>A (p.Arg2588Gln)

Gene: ALMS1 (ALMS1 centrosome and basal body associated protein; plus strand). Cytogenetic location: 2p13.1.
Variant type: single nucleotide variant.
Coding change: c.7763G>A on transcript NM_001378454.1 (MANE Select); coding-DNA position 7763, G replaced by A.
Protein change: p.Arg2588Gln; replaces arginine 2588 with glutamine.
Molecular consequence: missense variant.
Genome position (GRCh38, 1-based): chr2:73,489,722, G>A. VCF-style: chr2-73489722-G-A. GRCh37 (hg19) VCF-style: chr2-73716849-G-A.
Other names: c.7766G>A, p.Arg2589Gln (NM_015120.4); short protein forms R2588Q, R2589Q.
Identifiers: ClinVar variation 1760519 (VCV001760519.12), dbSNP rs372032202, ClinGen allele CA1714344.

ClinVar aggregate classification (germline): Uncertain significance. Review status: criteria provided, multiple submitters, no conflicts (2 of 4 stars). 4 submissions from 4 submitters: Uncertain significance (4). Last evaluated 2026-01-01.

Conditions:
Cardiovascular phenotype. Identifiers: MedGen CN230736.
Alstrom syndrome (ALMS). Identifiers: Orphanet 64, MedGen C0268425, MONDO:0008763, OMIM 203800.

Allele frequency attached by ClinVar (database versions not stated): gnomAD 0.00003; TOPMed 0.00003; ExAC 0.00005; gnomAD exomes 0.00006.
gnomAD v4.1: 88 of 1,613,918 alleles (0.0055%); highest among the groups gnomAD compares: Non-Finnish European, 0.0067%; no homozygotes.

Submissions (4):

CeGaT Center for Human Genetics Tuebingen
Classification: Uncertain significance. Last evaluated: 2026-01-01. Review status: criteria provided, single submitter. Criteria: CeGaT Center For Human Genetics Tuebingen Variant Classification Criteria Version 2. Collection method: clinical testing. Allele origin: germline. Affected: yes. Observed: 1 variant allele.
Comment: ALMS1: PM2, BP4

Ambry Genetics
Classification: Uncertain significance for Cardiovascular phenotype. Last evaluated: 2025-05-06. Review status: criteria provided, single submitter. Criteria: Ambry Variant Classification Scheme 2023. Collection method: clinical testing. Allele origin: germline.
Comment: The p.R2589Q variant (also known as c.7766G>A), located in coding exon 10 of the ALMS1 gene, results from a G to A substitution at nucleotide position 7766. The arginine at codon 2589 is replaced by glutamine, an amino acid with highly similar properties. This amino acid position is well conserved in available vertebrate species. In addition, the in silico prediction for this alteration is inconclusive. Based on the available evidence, the clinical significance of this variant remains unclear.

Labcorp Genetics (formerly Invitae), Labcorp
Classification: Uncertain significance for Alstrom syndrome. Last evaluated: 2024-12-22. Review status: criteria provided, single submitter. Criteria: Invitae Variant Classification Sherloc (09022015). Collection method: clinical testing. Allele origin: germline.
Comment: This sequence change replaces arginine, which is basic and polar, with glutamine, which is neutral and polar, at codon 2589 of the ALMS1 protein (p.Arg2589Gln). This variant is present in population databases (rs372032202, gnomAD 0.006%). This variant has not been reported in the literature in individuals affected with ALMS1-related conditions. ClinVar contains an entry for this variant (Variation ID: 1760519). Experimental studies and prediction algorithms are not available or were not evaluated, and the functional significance of this variant is currently unknown. In summary, the available evidence is currently insufficient to determine the role of this variant in disease. Therefore, it has been classified as a Variant of Uncertain Significance.

GeneDx
Classification: Uncertain significance. Last evaluated: 2024-01-10. Review status: criteria provided, single submitter. Criteria: GeneDx Variant Classification Process June 2021. Collection method: clinical testing. Allele origin: germline. Affected: yes.
Comment: Not observed at significant frequency in large population cohorts (gnomAD); In silico analysis supports that this missense variant does not alter protein structure/function; Has not been previously published as pathogenic or benign to our knowledge